The following is an entry in ClinVar:

ClinVar aggregate classification (germline): Uncertain significance. Review status: criteria provided, multiple submitters, no conflicts (2 of 4 stars). 2 submissions from 2 submitters: Uncertain significance (2). Last evaluated 2025-09-25.

Conditions:
Hereditary cancer-predisposing syndrome. Also called: Neoplastic Syndromes, Hereditary; Tumor predisposition; Hereditary neoplastic syndrome; Hereditary Cancer Syndrome. Identifiers: Orphanet 140162, MedGen C0027672, MeSH D009386, MONDO:0015356.
Retinoblastoma (RB1). Also called: RETINOBLASTOMA, SOMATIC. Identifiers: Orphanet 790, MedGen C0035335, MeSH D012175, MONDO:0008380, OMIM 180200, HP:0009919. Disease mechanism: loss of function. Inheritance: Both sporadic and heritable forms are tested..

Allele frequency attached by ClinVar (database versions not stated): gnomAD exomes below 0.00001.
gnomAD v4.1: 1 of 1,612,420 alleles (0.000062%); highest among the groups gnomAD compares: Non-Finnish European, 0.000085%; no homozygotes.

Submissions (2):

Ambry Genetics
Classification: Uncertain significance for Hereditary cancer-predisposing syndrome. Last evaluated: 2025-09-25. Review status: criteria provided, single submitter. Criteria: Ambry Variant Classification Scheme 2023. Collection method: clinical testing. Allele origin: germline.
Comment: The p.E209G variant (also known as c.626A>G), located in coding exon 7 of the RB1 gene, results from an A to G substitution at nucleotide position 626. The glutamic acid at codon 209 is replaced by glycine, an amino acid with similar properties. This amino acid position is conserved. In addition, the in silico prediction for this alteration is inconclusive. Based on the available evidence, the clinical significance of this variant remains unclear.

Genetic Diagnostic Laboratory, University of Pennsylvania School of Medicine
Classification: Uncertain significance for Retinoblastoma. Last evaluated: 2024-05-20. Review status: criteria provided, single submitter. Criteria: ACMG Guidelines, 2015. Collection method: clinical testing. Allele origin: germline. Affected: yes. Observed: 1 variant allele.
Comment: Case and Pedigree Information: BILATERAL CASES:0, UNILATERAL CASES:1, TOTAL CASES:1, PEDIGREES:1. ACMG Codes Applied:PM2

NM_000321.3(RB1):c.626A>G (p.Glu209Gly)

Gene: RB1 (RB transcriptional corepressor 1; plus strand). Cytogenetic location: 13q14.2.
Variant type: single nucleotide variant.
Coding change: c.626A>G on transcript NM_000321.3 (MANE Select); coding-DNA position 626, A replaced by G.
Protein change: p.Glu209Gly; replaces glutamic acid 209 with glycine.
Molecular consequence: missense variant.
Genome position (GRCh38, 1-based): chr13:48,360,035, A>G. VCF-style: chr13-48360035-A-G. GRCh37 (hg19) VCF-style: chr13-48934171-A-G.
Other names: c.626A>G, p.Glu209Gly (NM_001407165.1, NM_001407166.1); short protein forms E209G.
Identifiers: ClinVar variation 3237142 (VCV003237142.2), dbSNP rs2542178444.